The following is an entry in ClinVar:

ClinVar aggregate classification (germline): Uncertain significance. Review status: criteria provided, multiple submitters, no conflicts (2 of 4 stars). 6 submissions from 6 submitters: Uncertain significance (6). Last evaluated 2025-11-17.

Conditions:
Aortic aneurysm, familial thoracic 4 (AAT4). Also called: AORTIC ANEURYSM/AORTIC DISSECTION AND PATENT DUCTUS ARTERIOSUS. Identifiers: MedGen C1851504, MONDO:0007568, OMIM 132900.
Visceral myopathy 2. Identifiers: MedGen C5543466, MONDO:0859157, OMIM 619350.
Megacystis-microcolon-intestinal hypoperistalsis syndrome 2. Identifiers: MedGen C5543476, MONDO:0025708, OMIM 619351.
Familial thoracic aortic aneurysm and aortic dissection (TAAD). Also called: Thoracic aortic aneurysms and dissections. Identifiers: Orphanet 91387, MedGen C4707243, MONDO:0019625.

Allele frequency attached by ClinVar (database versions not stated): gnomAD exomes 0.00001 and 0.00003; TOPMed 0.00001; ExAC 0.00005.
gnomAD v4.1: 20 of 1,614,132 alleles (0.0012%); highest among the groups gnomAD compares: Non-Finnish European, 0.00051%; no homozygotes.

Submissions (6):

Labcorp Genetics (formerly Invitae), Labcorp
Classification: Uncertain significance for Aortic aneurysm, familial thoracic 4. Last evaluated: 2025-11-17. Review status: criteria provided, single submitter. Criteria: Invitae Variant Classification Sherloc (09022015). Collection method: clinical testing. Allele origin: germline.
Comment: This sequence change replaces arginine, which is basic and polar, with histidine, which is basic and polar, at codon 1619 of the MYH11 protein (p.Arg1619His). This variant is present in population databases (rs781252922, gnomAD 0.03%). This variant has not been reported in the literature in individuals affected with MYH11-related conditions. ClinVar contains an entry for this variant (Variation ID: 636781). Invitae Evidence Modeling of protein sequence and biophysical properties (such as structural, functional, and spatial information, amino acid conservation, physicochemical variation, residue mobility, and thermodynamic stability) indicates that this missense variant is not expected to disrupt MYH11 protein function with a negative predictive value of 80%. In summary, the available evidence is currently insufficient to determine the role of this variant in disease. Therefore, it has been classified as a Variant of Uncertain Significance.

Blueprint Genetics
Classification: Uncertain significance. Last evaluated: 2024-09-12. Review status: criteria provided, single submitter. Criteria: ACMG Guidelines, 2015. Collection method: clinical testing. Allele origin: germline.

All of Us Research Program, National Institutes of Health
Classification: Uncertain significance for Familial thoracic aortic aneurysm and aortic dissection. Last evaluated: 2024-05-09. Review status: criteria provided, single submitter. Criteria: ACMG Guidelines, 2015. Collection method: clinical testing. Allele origin: germline. Inheritance: Autosomal dominant inheritance. Observed: 4 variant alleles, 4 heterozygotes.
Comment: This missense variant replaces arginine with histidine at codon 1619 of the MYH11 protein. Computational prediction suggests that this variant may have deleterious impact on protein structure and function (internally defined REVEL score threshold >= 0.7, PMID: 27666373). To our knowledge, functional studies have not been reported for this variant. This variant has not been reported in individuals affected with cardiovascular disorders in the literature. This variant has been identified in 7/251400 chromosomes in the general population by the Genome Aggregation Database (gnomAD). The available evidence is insufficient to determine the role of this variant in disease conclusively. Therefore, this variant is classified as a Variant of Uncertain Significance.

This study involves interpretation of variants in research participants for the purpose of population health screening. Participant phenotype was not available at the time of variant classification. Additional details can be found in publication PMID: 35346344, PMCID: PMC8962531

Color Diagnostics, LLC DBA Color Health
Classification: Uncertain significance for Familial thoracic aortic aneurysm and aortic dissection. Last evaluated: 2024-03-06. Review status: criteria provided, single submitter. Criteria: ACMG Guidelines, 2015. Collection method: clinical testing. Allele origin: germline.
Comment: This missense variant replaces arginine with histidine at codon 1619 of the MYH11 protein. Computational prediction suggests that this variant may have deleterious impact on protein structure and function (internally defined REVEL score threshold >= 0.7, PMID: 27666373). To our knowledge, functional studies have not been reported for this variant. This variant has not been reported in individuals affected with MYH11-related disorders in the literature. This variant has been identified in 7/251400 chromosomes in the general population by the Genome Aggregation Database (gnomAD). The available evidence is insufficient to determine the role of this variant in disease conclusively. Therefore, this variant is classified as a Variant of Uncertain Significance.

Ambry Genetics
Classification: Uncertain significance for Familial thoracic aortic aneurysm and aortic dissection. Last evaluated: 2022-01-07. Review status: criteria provided, single submitter. Criteria: Ambry Variant Classification Scheme 2023. Collection method: clinical testing. Allele origin: germline.
Comment: The p.R1612H variant (also known as c.4835G>A), located in coding exon 33 of the MYH11 gene, results from a G to A substitution at nucleotide position 4835. The arginine at codon 1612 is replaced by histidine, an amino acid with highly similar properties. This amino acid position is conserved. In addition, the in silico prediction for this alteration is inconclusive. Since supporting evidence is limited at this time, the clinical significance of this alteration remains unclear.

Fulgent Genetics
Classification: Uncertain significance for Aortic aneurysm, familial thoracic 4; Visceral myopathy 2; Megacystis-microcolon-intestinal hypoperistalsis syndrome 2. Last evaluated: 2021-08-23. Review status: criteria provided, single submitter. Criteria: ACMG Guidelines, 2015. Collection method: clinical testing. Allele origin: unknown.

NM_002474.3(MYH11):c.4835G>A (p.Arg1612His)

Genes: MYH11 (myosin heavy chain 11; minus strand), NDE1 (nudE neurodevelopment protein 1; plus strand). Cytogenetic location: 16p13.11.
Variant type: single nucleotide variant.
Coding change: c.4835G>A on transcript NM_002474.3 (MANE Select); coding-DNA position 4835, G replaced by A.
Protein change: p.Arg1612His; replaces arginine 1612 with histidine.
Molecular consequence: missense variant. On other transcripts: intron variant (2).
Genome position (GRCh38, 1-based): chr16:15,720,269, C>T on the plus strand (G>A on the coding strand, the complement: MYH11 is on the minus strand). VCF-style: chr16-15720269-C-T. GRCh37 (hg19) VCF-style: chr16-15814126-C-T.
Other names: c.4856G>A, p.Arg1619His (NM_001040113.2, NM_001040114.2); c.4835G>A, p.Arg1612His (NM_022844.3); c.948-3922C>T (NM_001143979.2, NM_017668.3); short protein forms R1612H, R1619H.
Identifiers: ClinVar variation 636781 (VCV000636781.15), dbSNP rs781252922, ClinGen allele CA7921526.